The following is an entry in ClinVar:

ClinVar aggregate classification (germline): Likely benign. Review status: criteria provided, multiple submitters, no conflicts (2 of 4 stars). 3 submissions from 3 submitters: Likely benign (3). Last evaluated 2026-01-16.

Conditions:
Neuronal ceroid lipofuscinosis. Also called: Neuronal Ceroid Lipofuscinoses. Identifiers: Orphanet 216, Orphanet 79263, MedGen C0027877, MONDO:0016295. Disease mechanism: loss of function.

gnomAD v4.1: 5 of 1,524,038 alleles (0.00033%); highest among the groups gnomAD compares: Admixed American, 0.002%; no homozygotes.

Submissions (3):

Labcorp Genetics (formerly Invitae), Labcorp
Classification: Likely benign for Neuronal ceroid lipofuscinosis. Last evaluated: 2026-01-16. Review status: criteria provided, single submitter. Criteria: Invitae Variant Classification Sherloc (09022015). Collection method: clinical testing. Allele origin: germline.

Blueprint Genetics
Classification: Likely benign. Last evaluated: 2022-05-06. Review status: criteria provided, single submitter. Criteria: ACMG Guidelines, 2015. Collection method: clinical testing. Allele origin: germline.

GeneDx
Classification: Likely benign. Last evaluated: 2016-09-02. Review status: criteria provided, single submitter. Criteria: GeneDx Variant Classification (06012015). Collection method: clinical testing. Allele origin: germline. Affected: yes.
Comment: This variant is considered likely benign or benign based on one or more of the following criteria: it is a conservative change, it occurs at a poorly conserved position in the protein, it is predicted to be benign by multiple in silico algorithms, and/or has population frequency not consistent with disease.

NM_001909.5(CTSD):c.68+10C>G

Gene: CTSD (cathepsin D; minus strand). Cytogenetic location: 11p15.5.
Variant type: single nucleotide variant.
Coding change: c.68+10C>G on transcript NM_001909.5 (MANE Select); 10 bases into the intron after coding-DNA position 68, C replaced by G.
Molecular consequence: intron variant.
Genome position (GRCh38, 1-based): chr11:1,763,782, G>C on the plus strand (C>G on the coding strand, the complement: CTSD is on the minus strand). VCF-style: chr11-1763782-G-C. GRCh37 (hg19) VCF-style: chr11-1785012-G-C.
Identifiers: ClinVar variation 389057 (VCV000389057.6), dbSNP rs760082760, ClinGen allele CA16606283.